The following is an entry in ClinVar:

NM_002474.3(MYH11):c.5729C>T (p.Ala1910Val)

Genes: MYH11 (myosin heavy chain 11; minus strand), NDE1 (nudE neurodevelopment protein 1; plus strand). Cytogenetic location: 16p13.11.
Variant type: single nucleotide variant.
Coding change: c.5729C>T on transcript NM_002474.3 (MANE Select); coding-DNA position 5729, C replaced by T.
Protein change: p.Ala1910Val; replaces alanine 1910 with valine.
Molecular consequence: missense variant. On other transcripts: intron variant (2).
Genome position (GRCh38, 1-based): chr16:15,714,966, G>A on the plus strand (C>T on the coding strand, the complement: MYH11 is on the minus strand). VCF-style: chr16-15714966-G-A. GRCh37 (hg19) VCF-style: chr16-15808823-G-A.
Other names: c.5750C>T, p.Ala1917Val (NM_001040113.2, NM_001040114.2); c.5729C>T, p.Ala1910Val (NM_022844.3); c.948-9225G>A (NM_001143979.2, NM_017668.3); short protein forms A1910V, A1917V.
Identifiers: ClinVar variation 3073302 (VCV003073302.1), dbSNP rs2510047733, ClinGen allele CA394846542.

ClinVar aggregate classification (germline): Uncertain significance (1 of 4 stars; one submission).

Conditions:
Familial thoracic aortic aneurysm and aortic dissection (TAAD). Also called: Thoracic aortic aneurysms and dissections. Identifiers: Orphanet 91387, MedGen C4707243, MONDO:0019625.

Submission:

All of Us Research Program, National Institutes of Health
Classification: Uncertain significance for Familial thoracic aortic aneurysm and aortic dissection. Last evaluated: 2023-09-04. Review status: criteria provided, single submitter. Criteria: ACMG Guidelines, 2015. Collection method: clinical testing. Allele origin: germline. Inheritance: Autosomal dominant inheritance. Observed: 1 variant allele, 1 heterozygote.
Comment: This missense variant replaces alanine with valine at codon 1917 of the MYH11 protein. Computational prediction is inconclusive regarding the impact of this variant on protein structure and function (internally defined REVEL score threshold 0.5 < inconclusive < 0.7, PMID: 27666373). To our knowledge, functional studies have not been reported for this variant. This variant has not been reported in individuals affected with MYH11-related disorders in the literature. This variant has not been identified in the general population by the Genome Aggregation Database (gnomAD). The available evidence is insufficient to determine the role of this variant in disease conclusively. Therefore, this variant is classified as a Variant of Uncertain Significance.

This study involves interpretation of variants in research participants for the purpose of population health screening. Participant phenotype was not available at the time of variant classification. Additional details can be found in publication PMID: 35346344, PMCID: PMC8962531